The following is an entry in ClinVar:

ClinVar aggregate classification (germline): Conflicting classifications of pathogenicity. Review status: criteria provided, conflicting classifications (1 of 4 stars). 2 submissions from 2 submitters: Uncertain significance (1); Likely benign (1). Last evaluated 2025-11-04.

Conditions:
ABCB11-related disorder. Also called: ABCB11-related condition.

Allele frequency attached by ClinVar (database versions not stated): gnomAD exomes below 0.00001 and 0.00001; TOPMed below 0.00001.
gnomAD v4.1: 3 of 1,613,034 alleles (0.00019%); highest among the groups gnomAD compares: Admixed American, 0.0017%; no homozygotes.

Submissions (2):

PreventionGenetics, part of Exact Sciences
Classification: Uncertain significance for ABCB11-related condition. Last evaluated: 2025-11-04. Review status: criteria provided, single submitter. Criteria: ACMG Guidelines, 2015. Collection method: clinical testing. Allele origin: germline.
Comment: The ABCB11 c.1512G>A variant is not predicted to result in an amino acid change (p.=). This variant is predicted to alter splicing based on one available splicing prediction algorithm (Jaganathan et al. 2019. PubMed ID: 30661751). To our knowledge, this variant has not been reported in the literature. This variant is reported in 0.0029% of alleles in individuals of Latino descent in gnomAD. At this time, the clinical significance of this variant is uncertain due to the absence of conclusive functional and genetic evidence.

Labcorp Genetics (formerly Invitae), Labcorp
Classification: Likely benign. Last evaluated: 2022-10-03. Review status: criteria provided, single submitter. Criteria: Invitae Variant Classification Sherloc (09022015). Collection method: clinical testing. Allele origin: germline.

NM_003742.4(ABCB11):c.1512G>A (p.Glu504=)

Gene: ABCB11 (ATP binding cassette subfamily B member 11; minus strand). Cytogenetic location: 2q31.1.
Variant type: single nucleotide variant.
Coding change: c.1512G>A on transcript NM_003742.4 (MANE Select); coding-DNA position 1512, G replaced by A.
Protein change: p.Glu504=; no amino-acid change (glutamic acid 504 retained).
Molecular consequence: synonymous variant.
Genome position (GRCh38, 1-based): chr2:168,971,973, C>T on the plus strand (G>A on the coding strand, the complement: ABCB11 is on the minus strand). VCF-style: chr2-168971973-C-T. GRCh37 (hg19) VCF-style: chr2-169828483-C-T.
Other names: c.1512G>A (NM_003742.2).
Identifiers: ClinVar variation 1111438 (VCV001111438.10), dbSNP rs1486107533, ClinGen allele CA429914551.